The following is an entry in ClinVar:

NM_002880.4(RAF1):c.1621C>A (p.Leu541Met)

Gene: RAF1 (Raf-1 proto-oncogene, serine/threonine kinase; minus strand). Cytogenetic location: 3p25.2.
Variant type: single nucleotide variant.
Coding change: c.1621C>A on transcript NM_002880.4 (MANE Select); coding-DNA position 1621, C replaced by A.
Protein change: p.Leu541Met; replaces leucine 541 with methionine.
Molecular consequence: missense variant. On other transcripts: non-coding transcript variant (3).
Genome position (GRCh38, 1-based): chr3:12,585,169, G>T on the plus strand (C>A on the coding strand, the complement: RAF1 is on the minus strand). VCF-style: chr3-12585169-G-T. GRCh37 (hg19) VCF-style: chr3-12626668-G-T.
Other names: c.1681C>A, p.Leu561Met (NM_001354689.3); c.1621C>A, p.Leu541Met (NM_001354690.3); c.1378C>A, p.Leu460Met (NM_001354691.3, NM_001354692.3); c.1522C>A, p.Leu508Met (NM_001354693.3); c.1438C>A, p.Leu480Met (NM_001354694.3); c.1279C>A, p.Leu427Met (NM_001354695.3); short protein forms L460M, L508M, L561M, L427M, L480M, L541M.
Identifiers: ClinVar variation 3002928 (VCV003002928.4), dbSNP rs1450208813, ClinGen allele CA351497503.

ClinVar aggregate classification (germline): Uncertain significance. Review status: criteria provided, multiple submitters, no conflicts (2 of 4 stars). 2 submissions from 2 submitters: Uncertain significance (2). Last evaluated 2026-03-12.

Conditions:
RASopathy. Also called: rasopathies; Noonan spectrum disorder. Identifiers: Orphanet 536391, MedGen C5555857, MONDO:0021060.
Cardiovascular phenotype. Identifiers: MedGen CN230736.

Allele frequency attached by ClinVar (database versions not stated): TOPMed below 0.00001; gnomAD 0.00001.
gnomAD v4.1: 2 of 1,614,056 alleles (0.00012%); highest among the groups gnomAD compares: Non-Finnish European, 0.00017%; no homozygotes.

Submissions (2):

Ambry Genetics
Classification: Uncertain significance for Cardiovascular phenotype. Last evaluated: 2026-03-12. Review status: criteria provided, single submitter. Criteria: Ambry Variant Classification Scheme 2023. Collection method: clinical testing. Allele origin: germline.
Comment: The p.L541M variant (also known as c.1621C>A), located in coding exon 14 of the RAF1 gene, results from a C to A substitution at nucleotide position 1621. The leucine at codon 541 is replaced by methionine, an amino acid with highly similar properties. This amino acid position is conserved. In addition, this alteration is predicted to be deleterious by in silico analysis. Based on the available evidence, the clinical significance of this variant remains unclear.

Labcorp Genetics (formerly Invitae), Labcorp
Classification: Uncertain significance for RASopathy. Last evaluated: 2023-09-13. Review status: criteria provided, single submitter. Criteria: Invitae Variant Classification Sherloc (09022015). Collection method: clinical testing. Allele origin: germline.
Comment: This sequence change replaces leucine, which is neutral and non-polar, with methionine, which is neutral and non-polar, at codon 541 of the RAF1 protein (p.Leu541Met). This variant is present in population databases (no rsID available, gnomAD 0.007%). This variant has not been reported in the literature in individuals affected with RAF1-related conditions. Advanced modeling of protein sequence and biophysical properties (such as structural, functional, and spatial information, amino acid conservation, physicochemical variation, residue mobility, and thermodynamic stability) performed at Invitae indicates that this missense variant is expected to disrupt RAF1 protein function. In summary, the available evidence is currently insufficient to determine the role of this variant in disease. Therefore, it has been classified as a Variant of Uncertain Significance.